The following is an entry in ClinVar:

NM_001065.4(TNFRSF1A):c.552-945G>A

Gene: TNFRSF1A (TNF receptor superfamily member 1A; minus strand). Cytogenetic location: 12p13.31.
Variant type: single nucleotide variant.
Coding change: c.552-945G>A on transcript NM_001065.4 (MANE Select); 945 bases into the intron before coding-DNA position 552, G replaced by A.
Molecular consequence: intron variant.
Genome position (GRCh38, 1-based): chr12:6,331,871, C>T on the plus strand (G>A on the coding strand, the complement: TNFRSF1A is on the minus strand). VCF-style: chr12-6331871-C-T. GRCh37 (hg19) VCF-style: chr12-6441037-C-T.
Other names: c.228-945G>A (NM_001346091.2); c.92+5G>A (NM_001346092.2).
Identifiers: ClinVar variation 3051385 (VCV003051385.2), dbSNP rs1948053318, ClinGen allele CA2014024966.
Genomic context (GRCh38, chr12:6,331,871, plus strand): 5'-ACCAAGATGGTGAAACCCCATCTCTACTAAAAATACAAAAATTAGCCAGGCATGGTGGCA[C>T]GTGCCTGTAATCCCAGCTACTTGGGAGGCTGAAGCAGGAGAATTGCTTGAATCTGGGAGG-3'

ClinVar aggregate classification (germline): Likely benign (0 of 4 stars; one submission).

Conditions:
TNFRSF1A-related disorder. Also called: TNFRSF1A-related condition.

Submission:

PreventionGenetics, part of Exact Sciences
Classification: Likely benign for TNFRSF1A-related condition. Last evaluated: 2024-01-18. Review status: no assertion criteria provided. Collection method: clinical testing. Allele origin: germline.
Comment: This variant is classified as likely benign based on ACMG/AMP sequence variant interpretation guidelines (Richards et al. 2015 PMID: 25741868, with internal and published modifications).